The following is an entry in ClinVar:

NM_000143.4(FH):c.109del (p.Trp37fs)

Gene: FH (fumarate hydratase; minus strand). Cytogenetic location: 1q43.
Variant type: Deletion.
Coding change: c.109del on transcript NM_000143.4 (MANE Select); coding-DNA position 109, one base deleted (T; older notation c.109delT).
Protein change: p.Trp37fs; shifts the reading frame from tryptophan 37.
Molecular consequence: frameshift variant.
Genome position (GRCh38, 1-based): chr1:241,519,614, A deleted on the plus strand (T on the coding strand, the reverse complement: FH is on the minus strand); the first of 4 consecutive A bases (chr1:241,519,614-241,519,617); deleting any one gives the same sequence. VCF-style (leftmost placement, unchanged base first): chr1-241519613-CA-C. GRCh37 (hg19) VCF-style: chr1-241682913-CA-C.
Other names: short protein forms W37fs.
Identifiers: ClinVar variation 1070679 (VCV001070679.9), dbSNP rs2147926875, ClinGen allele CA2499214640.

ClinVar aggregate classification (germline): Pathogenic (1 of 4 stars; one submission).

Submission:

Labcorp Genetics (formerly Invitae), Labcorp
Classification: Pathogenic. Last evaluated: 2020-04-27. Review status: criteria provided, single submitter. Criteria: Invitae Variant Classification Sherloc (09022015). Collection method: clinical testing. Allele origin: germline.
Comment: For these reasons, this variant has been classified as Pathogenic. Loss-of-function variants in FH are known to be pathogenic (PMID: 11865300, 21398687). This variant has not been reported in the literature in individuals with FH-related conditions. The frequency data for this variant in the population databases is considered unreliable, as metrics indicate insufficient coverage at this position in the ExAC database. This sequence change creates a premature translational stop signal (p.Trp37Glyfs*16) in the FH gene. It is expected to result in an absent or disrupted protein product.

Literature cited by the submitters: PubMed 11865300; PubMed 21398687.